The following is an entry in ClinVar:

NM_024675.4(PALB2):c.2765T>A (p.Ile922Lys)

Gene: PALB2 (partner and localizer of BRCA2; minus strand). Cytogenetic location: 16p12.2.
Variant type: single nucleotide variant.
Coding change: c.2765T>A on transcript NM_024675.4 (MANE Select); coding-DNA position 2765, T replaced by A.
Protein change: p.Ile922Lys; replaces isoleucine 922 with lysine.
Molecular consequence: missense variant.
Genome position (GRCh38, 1-based): chr16:23,624,078, A>T on the plus strand (T>A on the coding strand, the complement: PALB2 is on the minus strand). VCF-style: chr16-23624078-A-T. GRCh37 (hg19) VCF-style: chr16-23635399-A-T.
Other names: short protein forms I922K.
Identifiers: ClinVar variation 402301 (VCV000402301.23), dbSNP rs1060499822, ClinGen allele CA16609593.
Genomic context (GRCh38, chr16:23,624,078, plus strand): 5'-CTGATTTCCAAATTTCCCAAAGCTACACACACGAGATTATACACATCAGGCACTGGAACT[A>T]TCTGTAATACTGGAACCTAAATAAAACAAAGCAGCCAAAAATTATGCTTGGTTGTTTCAT-3'
Protein context (NP_078951.2, residues 912-932): WHFAEVPVLQ[Ile922Lys]VPVPDVYNLV

ClinVar aggregate classification (germline): Uncertain significance. Review status: criteria provided, multiple submitters, no conflicts (2 of 4 stars). 4 submissions from 4 submitters: Uncertain significance (4). Last evaluated 2026-01-18.

Conditions:
Hereditary cancer-predisposing syndrome. Also called: Neoplastic Syndromes, Hereditary; Hereditary Cancer Syndrome; Tumor predisposition; Hereditary neoplastic syndrome. Identifiers: Orphanet 140162, MedGen C0027672, MeSH D009386, MONDO:0015356.
Familial cancer of breast. Also called: BREAST CANCER, FAMILIAL; Hereditary breast cancer; hereditary breast carcinoma. Identifiers: Orphanet 227535, MedGen C0346153, MONDO:0016419, OMIM 114480. Disease mechanism: loss of function.

Submissions (4):

Labcorp Genetics (formerly Invitae), Labcorp
Classification: Uncertain significance for Familial cancer of breast. Last evaluated: 2026-01-18. Review status: criteria provided, single submitter. Criteria: Invitae Variant Classification Sherloc (09022015). Collection method: clinical testing. Allele origin: germline.
Comment: This sequence change replaces isoleucine, which is neutral and non-polar, with lysine, which is basic and polar, at codon 922 of the PALB2 protein (p.Ile922Lys). This variant is not present in population databases (gnomAD no frequency). This variant has not been reported in the literature in individuals affected with PALB2-related conditions. ClinVar contains an entry for this variant (Variation ID: 402301). Invitae Evidence Modeling of protein sequence and biophysical properties (such as structural, functional, and spatial information, amino acid conservation, physicochemical variation, residue mobility, and thermodynamic stability) indicates that this missense variant is expected to disrupt PALB2 protein function with a positive predictive value of 80%. In summary, the available evidence is currently insufficient to determine the role of this variant in disease. Therefore, it has been classified as a Variant of Uncertain Significance.

Ambry Genetics
Classification: Uncertain significance for Hereditary cancer-predisposing syndrome. Last evaluated: 2025-09-07. Review status: criteria provided, single submitter. Criteria: Ambry Variant Classification Scheme 2023. Collection method: clinical testing. Allele origin: germline.
Comment: The p.I922K variant (also known as c.2765T>A), located in coding exon 8 of the PALB2 gene, results from a T to A substitution at nucleotide position 2765. The isoleucine at codon 922 is replaced by lysine, an amino acid with dissimilar properties. This amino acid position is highly conserved in available vertebrate species. In addition, the in silico prediction for this alteration is inconclusive. Since supporting evidence is limited at this time, the clinical significance of this alteration remains unclear.

Quest Diagnostics Nichols Institute San Juan Capistrano
Classification: Uncertain significance. Last evaluated: 2025-01-09. Review status: criteria provided, single submitter. Criteria: Quest Diagnostics criteria. Collection method: clinical testing. Allele origin: unknown.
Comment: The PALB2 c.2765T>A (p.Ile922Lys) variant has not been reported in individuals with PALB2-related conditions in the published literature. It also has not been reported in large, multi-ethnic general populations (Genome Aggregation Database). Analysis of this variant using bioinformatics tools for the prediction of the effect of amino acid changes on protein structure and function yielded predictions that this variant is damaging. Based on the available information, we are unable to determine the clinical significance of this variant.

Color Diagnostics, LLC DBA Color Health
Classification: Uncertain significance for Hereditary cancer-predisposing syndrome. Last evaluated: 2024-03-07. Review status: criteria provided, single submitter. Criteria: ACMG Guidelines, 2015. Collection method: clinical testing. Allele origin: germline.
Comment: This missense variant replaces isoleucine with lysine at codon 922 of the PALB2 protein. Computational prediction suggests that this variant may have deleterious impact on protein structure and function (internally defined REVEL score threshold >= 0.7, PMID: 27666373). To our knowledge, functional studies have not been reported for this variant. This variant has not been reported in individuals affected with hereditary cancer in the literature. This variant has not been identified in the general population by the Genome Aggregation Database (gnomAD). The available evidence is insufficient to determine the role of this variant in disease conclusively. Therefore, this variant is classified as a Variant of Uncertain Significance.